The following is an entry in ClinVar:

NM_030665.4(RAI1):c.4432C>G (p.Arg1478Gly)

Gene: RAI1 (retinoic acid induced 1; plus strand). Cytogenetic location: 17p11.2.
Variant type: single nucleotide variant.
Coding change: c.4432C>G on transcript NM_030665.4 (MANE Select); coding-DNA position 4432, C replaced by G.
Protein change: p.Arg1478Gly; replaces arginine 1478 with glycine.
Molecular consequence: missense variant.
Genome position (GRCh38, 1-based): chr17:17,797,380, C>G. VCF-style: chr17-17797380-C-G. GRCh37 (hg19) VCF-style: chr17-17700694-C-G.
Other names: short protein forms R1478G.
Identifiers: ClinVar variation 1740567 (VCV001740567.5), dbSNP rs753540389, ClinGen allele CA8418962.

ClinVar aggregate classification (germline): Uncertain significance. Review status: criteria provided, multiple submitters, no conflicts (2 of 4 stars). 2 submissions from 2 submitters: Uncertain significance (2). Last evaluated 2023-06-09.

Conditions:
Inborn genetic diseases. Identifiers: MedGen C0950123, MeSH D030342.

Allele frequency attached by ClinVar (database versions not stated): gnomAD exomes below 0.00001; ExAC 0.00001.
gnomAD v4.1: 2 of 1,612,784 alleles (0.00012%); highest among the groups gnomAD compares: East Asian, 0.0022%; no homozygotes.

Submissions (2):

Labcorp Genetics (formerly Invitae), Labcorp
Classification: Uncertain significance. Last evaluated: 2023-06-09. Review status: criteria provided, single submitter. Criteria: Invitae Variant Classification Sherloc (09022015). Collection method: clinical testing. Allele origin: germline.
Comment: In summary, the available evidence is currently insufficient to determine the role of this variant in disease. Therefore, it has been classified as a Variant of Uncertain Significance. This variant has not been reported in the literature in individuals affected with RAI1-related conditions. This sequence change replaces arginine, which is basic and polar, with glycine, which is neutral and non-polar, at codon 1478 of the RAI1 protein (p.Arg1478Gly). This variant is present in population databases (rs753540389, gnomAD 0.0009%). ClinVar contains an entry for this variant (Variation ID: 1740567). Advanced modeling of protein sequence and biophysical properties (such as structural, functional, and spatial information, amino acid conservation, physicochemical variation, residue mobility, and thermodynamic stability) performed at Invitae indicates that this missense variant is not expected to disrupt RAI1 protein function.

Ambry Genetics
Classification: Uncertain significance for Inborn genetic diseases. Last evaluated: 2018-11-24. Review status: criteria provided, single submitter. Criteria: Ambry Variant Classification Scheme 2023. Collection method: clinical testing. Allele origin: germline.
Comment: The p.R1478G variant (also known as c.4432C>G), located in coding exon 1 of the RAI1 gene, results from a C to G substitution at nucleotide position 4432. The arginine at codon 1478 is replaced by glycine, an amino acid with dissimilar properties. This amino acid position is not well conserved in available vertebrate species. In addition, this alteration is predicted to be tolerated by in silico analysis. Since supporting evidence is limited at this time, the clinical significance of this alteration remains unclear.